The following is an entry in ClinVar:

NM_021098.3(CACNA1H):c.4303C>G (p.Leu1435Val)

Gene: CACNA1H (calcium voltage-gated channel subunit alpha1 H; plus strand). Cytogenetic location: 16p13.3.
Variant type: single nucleotide variant.
Coding change: c.4303C>G on transcript NM_021098.3 (MANE Select); coding-DNA position 4303, C replaced by G.
Protein change: p.Leu1435Val; replaces leucine 1435 with valine.
Molecular consequence: missense variant.
Genome position (GRCh38, 1-based): chr16:1,211,247, C>G. VCF-style: chr16-1211247-C-G. GRCh37 (hg19) VCF-style: chr16-1261247-C-G.
Other names: c.4303C>G, p.Leu1435Val (NM_001005407.2); short protein forms L1435V.
Identifiers: ClinVar variation 4790650 (VCV004790650.1).

ClinVar aggregate classification (germline): Uncertain significance (1 of 4 stars; one submission).

Conditions:
Hyperaldosteronism, familial, type IV (HALD4). Also called: FH IV; ALDOSTERONISM, PRIMARY, AND HYPERTENSION. Identifiers: Orphanet 642671, MedGen C4310756, MONDO:0014875, OMIM 617027.
Idiopathic generalized epilepsy. Also called: EIG; Generalised epilepsy. Identifiers: MedGen C0270850, MONDO:0005579, OMIM 600669.

gnomAD v4.1: 1 of 1,613,138 alleles (0.000062%); highest among the groups gnomAD compares: Non-Finnish European, 0.000085%; no homozygotes.

Submission:

Labcorp Genetics (formerly Invitae), Labcorp
Classification: Uncertain significance for Idiopathic generalized epilepsy; Hyperaldosteronism, familial, type IV. Last evaluated: 2025-11-06. Review status: criteria provided, single submitter. Criteria: Invitae Variant Classification Sherloc (09022015). Collection method: clinical testing. Allele origin: germline.
Comment: This sequence change replaces leucine, which is neutral and non-polar, with valine, which is neutral and non-polar, at codon 1435 of the CACNA1H protein (p.Leu1435Val). This variant is present in population databases (no rsID available, gnomAD 0.0009%). This variant has not been reported in the literature in individuals affected with CACNA1H-related conditions. Invitae Evidence Modeling of protein sequence and biophysical properties (such as structural, functional, and spatial information, amino acid conservation, physicochemical variation, residue mobility, and thermodynamic stability) indicates that this missense variant is not expected to disrupt CACNA1H protein function with a negative predictive value of 80%. In summary, the available evidence is currently insufficient to determine the role of this variant in disease. Therefore, it has been classified as a Variant of Uncertain Significance.